The following is an entry in ClinVar:

NM_032444.4(SLX4):c.3190G>A (p.Gly1064Arg)

Gene: SLX4 (SLX4 structure-specific endonuclease subunit; minus strand). Cytogenetic location: 16p13.3.
Variant type: single nucleotide variant.
Coding change: c.3190G>A on transcript NM_032444.4 (MANE Select); coding-DNA position 3190, G replaced by A.
Protein change: p.Gly1064Arg; replaces glycine 1064 with arginine.
Molecular consequence: missense variant.
Genome position (GRCh38, 1-based): chr16:3,590,448, C>T on the plus strand (G>A on the coding strand, the complement: SLX4 is on the minus strand). VCF-style: chr16-3590448-C-T. GRCh37 (hg19) VCF-style: chr16-3640449-C-T.
Other names: short protein forms G1064R.
Identifiers: ClinVar variation 1319509 (VCV001319509.9), dbSNP rs142079276, ClinGen allele CA7865969.
Genomic context (GRCh38, chr16:3,590,448, plus strand): 5'-TTTTCTGCTTTGATGGCACAGCTGGAGACAGCAAGGTTGGGGAGCCCACCTGGGAAGTTC[C>T]GCCACGGGACCGGGGTGTTGACAGGGACGACCCACTTGTGTGATGAGACCCGCGGGGACT-3'
Protein context (NP_115820.2, residues 1054-1074): SSLSTPRSRG[Gly1064Arg]TSQVGSPTLL

ClinVar aggregate classification (germline): Conflicting classifications of pathogenicity. Review status: criteria provided, conflicting classifications (1 of 4 stars). 4 submissions from 4 submitters: Uncertain significance (3); Likely benign (1). Last evaluated 2022-09-07.

Conditions:
Fanconi anemia complementation group P. Also called: SLX4-Related Fanconi Anemia. Identifiers: Orphanet 84, MedGen C3469542, MONDO:0013499, OMIM 613951.
Fanconi anemia (FA). Also called: Fanconi's anemia. Identifiers: Orphanet 84, MedGen C0015625, MeSH D005199, MONDO:0019391.
Inborn genetic diseases. Identifiers: MedGen C0950123, MeSH D030342.

Allele frequency attached by ClinVar (database versions not stated): gnomAD 0.00003 and 0.00004; TOPMed 0.00003; ExAC 0.00005; gnomAD exomes 0.00005 and 0.00006; ESP Exome Variant Server 0.00015.
gnomAD v4.1: 93 of 1,614,030 alleles (0.0058%); highest among the groups gnomAD compares: Admixed American, 0.01%; no homozygotes.

Submissions (4):

Labcorp Genetics (formerly Invitae), Labcorp
Classification: Uncertain significance for Fanconi anemia. Last evaluated: 2022-09-07. Review status: criteria provided, single submitter. Criteria: Invitae Variant Classification Sherloc (09022015). Collection method: clinical testing. Allele origin: germline.
Comment: This sequence change replaces glycine, which is neutral and non-polar, with arginine, which is basic and polar, at codon 1064 of the SLX4 protein (p.Gly1064Arg). This variant is present in population databases (rs142079276, gnomAD 0.02%). This variant has not been reported in the literature in individuals affected with SLX4-related conditions. ClinVar contains an entry for this variant (Variation ID: 1319509). Algorithms developed to predict the effect of missense changes on protein structure and function output the following: SIFT: "Tolerated"; PolyPhen-2: "Benign"; Align-GVGD: "Class C0". The arginine amino acid residue is found in multiple mammalian species, which suggests that this missense change does not adversely affect protein function. Algorithms developed to predict the effect of sequence changes on RNA splicing suggest that this variant may create or strengthen a splice site. In summary, the available evidence is currently insufficient to determine the role of this variant in disease. Therefore, it has been classified as a Variant of Uncertain Significance.

Fulgent Genetics
Classification: Uncertain significance for Fanconi anemia complementation group P. Last evaluated: 2022-04-21. Review status: criteria provided, single submitter. Criteria: ACMG Guidelines, 2015. Collection method: clinical testing. Allele origin: unknown.

Institute for Clinical Genetics, University Hospital TU Dresden, University Hospital TU Dresden
Classification: Uncertain significance. Last evaluated: 2021-11-03. Review status: criteria provided, single submitter. Criteria: ACMG Guidelines, 2015. Collection method: clinical testing. Allele origin: germline.

Ambry Genetics
Classification: Likely benign for Inborn genetic diseases. Last evaluated: 2021-09-16. Review status: criteria provided, single submitter. Criteria: Ambry Variant Classification Scheme 2023. Collection method: clinical testing. Allele origin: germline.